The following is an entry in ClinVar:

ClinVar aggregate classification (germline): Uncertain significance (1 of 4 stars; one submission).

Conditions:
BAP1-related tumor predisposition syndrome (TPDS1). Also called: Tumor susceptibility linked to germline BAP1 mutations; BAP1 tumor predisposition syndrome; COMMON Syndrome; TUMOR PREDISPOSITION SYNDROME 1. Identifiers: Orphanet 289539, MedGen C3280492, MONDO:0013692, OMIM 614327.

Submission:

Labcorp Genetics (formerly Invitae), Labcorp
Classification: Uncertain significance for BAP1-related tumor predisposition syndrome. Last evaluated: 2020-02-02. Review status: criteria provided, single submitter. Criteria: Invitae Variant Classification Sherloc (09022015). Collection method: clinical testing. Allele origin: germline.
Comment: This variant is not present in population databases (ExAC no frequency). In summary, the available evidence is currently insufficient to determine the role of this variant in disease. Therefore, it has been classified as a Variant of Uncertain Significance. This variant has been reported to affect BAP1 protein function (PMID: 28062663). This variant has been observed in an individual with melanomas, basal cell carcinomas, and family history of kidney cancer and melanoma (PMID: 28062663). This sequence change replaces serine with arginine at codon 98 of the BAP1 protein (p.Ser98Arg). The serine residue is highly conserved and there is a moderate physicochemical difference between serine and arginine.

Literature cited by the submitters: PubMed 28062663.

NM_004656.4(BAP1):c.292A>C (p.Ser98Arg)

Gene: BAP1 (BRCA1 associated deubiquitinase 1; minus strand). Cytogenetic location: 3p21.1.
Variant type: single nucleotide variant.
Coding change: c.292A>C on transcript NM_004656.4 (MANE Select); coding-DNA position 292, A replaced by C.
Protein change: p.Ser98Arg; replaces serine 98 with arginine.
Molecular consequence: missense variant.
Genome position (GRCh38, 1-based): chr3:52,408,041, T>G on the plus strand (A>C on the coding strand, the complement: BAP1 is on the minus strand). VCF-style: chr3-52408041-T-G. GRCh37 (hg19) VCF-style: chr3-52442057-T-G.
Other names: short protein forms S98R.
Identifiers: ClinVar variation 1053921 (VCV001053921.5), dbSNP rs2153228127, ClinGen allele CA353112476.
Genomic context (GRCh38, chr3:52,408,041, plus strand): 5'-AGTCCTTCATGCGACTCAGGGTGGGTCCCAGGTCCACGCTGCTGCAGTTCAGGAGCACGC[T>G]CAGCAAGGCATGAGTTGCACAAGAGTTGGGTATCAGCTGTGAAACCAAGAATAGTCACCC-3'
Protein context (NP_004647.1, residues 88-108): PNSCATHALL[Ser98Arg]VLLNCSSVDL